The following is an entry in ClinVar:

NM_001079.4(ZAP70):c.1831A>T (p.Thr611Ser)

Gene: ZAP70 (zeta chain of T cell receptor associated protein kinase 70; plus strand). Cytogenetic location: 2q11.2.
Variant type: single nucleotide variant.
Coding change: c.1831A>T on transcript NM_001079.4 (MANE Select); coding-DNA position 1831, A replaced by T.
Protein change: p.Thr611Ser; replaces threonine 611 with serine.
Molecular consequence: missense variant.
Genome position (GRCh38, 1-based): chr2:97,739,469, A>T. VCF-style: chr2-97739469-A-T. GRCh37 (hg19) VCF-style: chr2-98355932-A-T.
Other names: c.1831A>T, p.Thr611Ser (NM_001378594.1); c.910A>T, p.Thr304Ser (NM_207519.2); short protein forms T611S, T304S.
Identifiers: ClinVar variation 949743 (VCV000949743.8), dbSNP rs1678054685, ClinGen allele CA347806623.

ClinVar aggregate classification (germline): Uncertain significance (1 of 4 stars; one submission).

Conditions:
Combined immunodeficiency due to ZAP70 deficiency (IMD48). Also called: Immunodeficiency 48; ZAP70 Deficiency. Identifiers: Orphanet 911, MedGen C2931299, MONDO:0010023, OMIM 269840.

Submission:

Labcorp Genetics (formerly Invitae), Labcorp
Classification: Uncertain significance for Combined immunodeficiency due to ZAP70 deficiency. Last evaluated: 2019-06-04. Review status: criteria provided, single submitter. Criteria: Invitae Variant Classification Sherloc (09022015). Collection method: clinical testing. Allele origin: germline.
Comment: In summary, the available evidence is currently insufficient to determine the role of this variant in disease. Therefore, it has been classified as a Variant of Uncertain Significance. Algorithms developed to predict the effect of missense changes on protein structure and function (SIFT, PolyPhen-2, Align-GVGD) all suggest that this variant is likely to be tolerated, but these predictions have not been confirmed by published functional studies and their clinical significance is uncertain. This variant has not been reported in the literature in individuals with ZAP70-related conditions. This variant is not present in population databases (ExAC no frequency). This sequence change replaces threonine with serine at codon 611 of the ZAP70 protein (p.Thr611Ser). The threonine residue is weakly conserved and there is a small physicochemical difference between threonine and serine.